The following is an entry in ClinVar:

ClinVar aggregate classification (germline): Uncertain significance (1 of 4 stars; one submission).

Conditions:
Inborn genetic diseases. Identifiers: MedGen C0950123, MeSH D030342.

Submission:

Ambry Genetics
Classification: Uncertain significance for Inborn genetic diseases. Last evaluated: 2025-08-20. Review status: criteria provided, single submitter. Criteria: Ambry Variant Classification Scheme 2023. Collection method: clinical testing. Allele origin: germline.
Comment: The p.P131L variant (also known as c.392C>T), located in coding exon 1 of the WT1 gene, results from a C to T substitution at nucleotide position 392. The proline at codon 131 is replaced by leucine, an amino acid with similar properties. This amino acid position is conserved. In addition, the in silico prediction for this alteration is inconclusive. Based on the available evidence, the clinical significance of this variant remains unclear.

NM_024426.6(WT1):c.407C>T (p.Pro136Leu)

Genes: WT1 (WT1 transcription factor; minus strand), LOC107982234 (WT1/WT1-AS bi-directional promoter region; plus strand). Cytogenetic location: 11p13.
Variant type: single nucleotide variant.
Coding change: c.407C>T on transcript NM_024426.6 (MANE Select); coding-DNA position 407, C replaced by T.
Protein change: p.Pro136Leu; replaces proline 136 with leucine.
Molecular consequence: missense variant. On other transcripts: non-coding transcript variant (2).
Genome position (GRCh38, 1-based): chr11:32,434,954, G>A on the plus strand (C>T on the coding strand, the complement: WT1 is on the minus strand). VCF-style: chr11-32434954-G-A. GRCh37 (hg19) VCF-style: chr11-32456500-G-A.
Other names: c.407C>T, p.Pro136Leu (NM_001407048.1, NM_001407049.1, NM_001407050.1 and 6 more transcripts); c.188C>T, p.Pro63Leu (NM_001429031.1, NM_001429032.1, NM_001429033.1 and 1 more transcripts); short protein forms P136L, P131L, P63L.
Identifiers: ClinVar variation 4202243 (VCV004202243.1).